The following is an entry in ClinVar:

ClinVar aggregate classification (germline): Uncertain significance (1 of 4 stars; one submission).

Conditions:
Dilated cardiomyopathy 1DD (CMD1DD). Identifiers: Orphanet 154, MedGen C2750995, MONDO:0013168, OMIM 613172.

Submission:

Labcorp Genetics (formerly Invitae), Labcorp
Classification: Uncertain significance for Dilated cardiomyopathy 1DD. Last evaluated: 2025-09-23. Review status: criteria provided, single submitter. Criteria: Invitae Variant Classification Sherloc (09022015). Collection method: clinical testing. Allele origin: germline.
Comment: This sequence change replaces methionine, which is neutral and non-polar, with valine, which is neutral and non-polar, at codon 1178 of the RBM20 protein (p.Met1178Val). This variant is not present in population databases (gnomAD no frequency). This variant has not been reported in the literature in individuals affected with RBM20-related conditions. ClinVar contains an entry for this variant (Variation ID: 2097078). Invitae Evidence Modeling of protein sequence and biophysical properties (such as structural, functional, and spatial information, amino acid conservation, physicochemical variation, residue mobility, and thermodynamic stability) indicates that this missense variant is not expected to disrupt RBM20 protein function with a negative predictive value of 95%. Algorithms developed to predict the effect of sequence changes on RNA splicing suggest that this variant may create or strengthen a splice site. In summary, the available evidence is currently insufficient to determine the role of this variant in disease. Therefore, it has been classified as a Variant of Uncertain Significance.

NM_001134363.3(RBM20):c.3532A>G (p.Met1178Val)

Gene: RBM20 (RNA binding motif protein 20; plus strand). Cytogenetic location: 10q25.2.
Variant type: single nucleotide variant.
Coding change: c.3532A>G on transcript NM_001134363.3 (MANE Select); coding-DNA position 3532, A replaced by G.
Protein change: p.Met1178Val; replaces methionine 1178 with valine.
Molecular consequence: missense variant.
Genome position (GRCh38, 1-based): chr10:110,831,141, A>G. VCF-style: chr10-110831141-A-G. GRCh37 (hg19) VCF-style: chr10-112590899-A-G.
Other names: short protein forms M1178V.
Identifiers: ClinVar variation 2097078 (VCV002097078.4), dbSNP rs2493515031, ClinGen allele CA378386655.
Genomic context (GRCh38, chr10:110,831,141, plus strand): 5'-AGGACTGGCTTTTATTGCAAGCTGTGTGGGCTGTTCTACACGAGCGAGGAGACAGCAAAG[A>G]TGAGCCACTGCCGCAGCGCTGTCCACTACAGGAACTTACAGGTAAAAATCCACTCTCCTT-3'
Protein context (NP_001127835.2, residues 1168-1188): LFYTSEETAK[Met1178Val]SHCRSAVHYR